The following is an entry in ClinVar:

NM_032888.4(COL27A1):c.1655G>A (p.Arg552Gln)

Gene: COL27A1 (collagen type XXVII alpha 1 chain; plus strand). Cytogenetic location: 9q32.
Variant type: single nucleotide variant.
Coding change: c.1655G>A on transcript NM_032888.4 (MANE Select); coding-DNA position 1655, G replaced by A.
Protein change: p.Arg552Gln; replaces arginine 552 with glutamine.
Molecular consequence: missense variant.
Genome position (GRCh38, 1-based): chr9:114,169,210, G>A. VCF-style: chr9-114169210-G-A. GRCh37 (hg19) VCF-style: chr9-116931490-G-A.
Other names: short protein forms R552Q.
Identifiers: ClinVar variation 724889 (VCV000724889.35), dbSNP rs148833602, ClinGen allele CA5201443.
Genomic context (GRCh38, chr9:114,169,210, plus strand): 5'-GAAGCAAGAAGCCCATTGGATCGGAAGCCTCAAAGAAAGCCGGACCCAAGAGCAGCCCCC[G>A]GAAGCCTGTCCCCCTCAGACCTGGGAAGGCAGCCAGGGATGTCCCCTTGAGCGATCTGAC-3'
Protein context (NP_116277.2, residues 542-562): SKKAGPKSSP[Arg552Gln]KPVPLRPGKA

ClinVar aggregate classification (germline): Benign/Likely benign. Review status: criteria provided, multiple submitters, no conflicts (2 of 4 stars). 4 submissions from 4 submitters: Benign (1); Likely benign (2). 1 of the submissions does not count toward it. Last evaluated 2026-04-01.

Conditions:
COL27A1-related disorder. Also called: COL27A1-related condition.

Allele frequency attached by ClinVar (database versions not stated): 1000 Genomes Project 30x 0.00047; 1000 Genomes Project 0.00060; TOPMed 0.00093; ESP Exome Variant Server 0.00108; gnomAD exomes 0.00137 and 0.00184; ExAC 0.00171; gnomAD 0.00179 and 0.00185.

Submissions (4):

CeGaT Center for Human Genetics Tuebingen
Classification: Likely benign. Last evaluated: 2026-04-01. Review status: criteria provided, single submitter. Criteria: CeGaT Center For Human Genetics Tuebingen Variant Classification Criteria Version 2. Collection method: clinical testing. Allele origin: germline. Affected: yes. Observed: 3 variant alleles.
Comment: COL27A1: BP4, BS2

Labcorp Genetics (formerly Invitae), Labcorp
Classification: Benign. Last evaluated: 2026-01-26. Review status: criteria provided, single submitter. Criteria: Invitae Variant Classification Sherloc (09022015). Collection method: clinical testing. Allele origin: germline.

Blueprint Genetics
Classification: Likely benign. Last evaluated: 2024-11-25. Review status: criteria provided, single submitter. Criteria: ACMG Guidelines, 2015. Collection method: clinical testing. Allele origin: germline.

PreventionGenetics, part of Exact Sciences
Classification: Benign for COL27A1-related condition. Last evaluated: 2019-06-05. Review status: no assertion criteria provided. Collection method: clinical testing. Allele origin: germline. Not counted in ClinVar's aggregate classification.
Comment: This variant is classified as benign based on ACMG/AMP sequence variant interpretation guidelines (Richards et al. 2015 PMID: 25741868, with internal and published modifications).